The following is an entry in ClinVar:

NM_133497.4(KCNV2):c.1580A>G (p.Lys527Arg)

Gene: KCNV2 (potassium voltage-gated channel modifier subfamily V member 2; plus strand). Cytogenetic location: 9p24.2.
Variant type: single nucleotide variant.
Coding change: c.1580A>G on transcript NM_133497.4 (MANE Select); coding-DNA position 1580, A replaced by G.
Protein change: p.Lys527Arg; replaces lysine 527 with arginine.
Molecular consequence: missense variant.
Genome position (GRCh38, 1-based): chr9:2,729,669, A>G. VCF-style: chr9-2729669-A-G. GRCh37 (hg19) VCF-style: chr9-2729669-A-G.
Other names: c.1580A>G (NM_133497.3); short protein forms K527R.
Identifiers: ClinVar variation 1051788 (VCV001051788.8), dbSNP rs750165805, ClinGen allele CA4965944.

ClinVar aggregate classification (germline): Uncertain significance. Review status: criteria provided, multiple submitters, no conflicts (2 of 4 stars). 2 submissions from 2 submitters: Uncertain significance (2). Last evaluated 2025-08-11.

Conditions:
Inborn genetic diseases. Identifiers: MedGen C0950123, MeSH D030342.

Allele frequency attached by ClinVar (database versions not stated): gnomAD 0.00001; TOPMed 0.00001; ExAC 0.00002; gnomAD exomes 0.00002.
gnomAD v4.1: 9 of 1,614,046 alleles (0.00056%); highest among the groups gnomAD compares: Admixed American, 0.015%; no homozygotes.

Submissions (2):

Ambry Genetics
Classification: Uncertain significance for Inborn genetic diseases. Last evaluated: 2025-08-11. Review status: criteria provided, single submitter. Criteria: Ambry Variant Classification Scheme 2023. Collection method: clinical testing. Allele origin: germline.

Labcorp Genetics (formerly Invitae), Labcorp
Classification: Uncertain significance. Last evaluated: 2022-06-27. Review status: criteria provided, single submitter. Criteria: Invitae Variant Classification Sherloc (09022015). Collection method: clinical testing. Allele origin: germline.
Comment: This sequence change replaces lysine, which is basic and polar, with arginine, which is basic and polar, at codon 527 of the KCNV2 protein (p.Lys527Arg). This variant is present in population databases (rs750165805, gnomAD 0.01%). This variant has not been reported in the literature in individuals affected with KCNV2-related conditions. ClinVar contains an entry for this variant (Variation ID: 1051788). Algorithms developed to predict the effect of missense changes on protein structure and function are either unavailable or do not agree on the potential impact of this missense change (SIFT: "Deleterious"; PolyPhen-2: "Benign"; Align-GVGD: "Class C0"). In summary, the available evidence is currently insufficient to determine the role of this variant in disease. Therefore, it has been classified as a Variant of Uncertain Significance.